The following is an entry in ClinVar:

ClinVar aggregate classification (germline): Likely benign. Review status: criteria provided, multiple submitters, no conflicts (2 of 4 stars). 4 submissions from 4 submitters: Likely benign (4). Last evaluated 2025-10-28.

Conditions:
ADGRV1-related disorder. Also called: ADGRV1-related disorders; ADGRV1-related condition.

Allele frequency attached by ClinVar (database versions not stated): gnomAD 0.00001 and 0.00002; gnomAD exomes 0.00002 and 0.00003; TOPMed 0.00002; ExAC 0.00003.
gnomAD v4.1: 41 of 1,613,682 alleles (0.0025%); highest among the groups gnomAD compares: Middle Eastern, 0.13%; no homozygotes.

Submissions (4):

PreventionGenetics, part of Exact Sciences
Classification: Likely benign for ADGRV1-related condition. Last evaluated: 2025-10-28. Review status: criteria provided, single submitter. Criteria: ACMG Guidelines, 2015. Collection method: clinical testing. Allele origin: germline.
Comment: This variant is classified as likely benign based on ACMG/AMP sequence variant interpretation guidelines (Richards et al. 2015 PMID: 25741868, with internal and published modifications).

Labcorp Genetics (formerly Invitae), Labcorp
Classification: Likely benign. Last evaluated: 2025-10-16. Review status: criteria provided, single submitter. Criteria: Invitae Variant Classification Sherloc (09022015). Collection method: clinical testing. Allele origin: germline.

Blueprint Genetics
Classification: Likely benign. Last evaluated: 2023-06-28. Review status: criteria provided, single submitter. Criteria: ACMG Guidelines, 2015. Collection method: clinical testing. Allele origin: germline.

ARUP Laboratories, Molecular Genetics and Genomics, ARUP Laboratories
Classification: Likely benign. Last evaluated: 2019-03-18. Review status: criteria provided, single submitter. Criteria: ARUP Molecular Germline Variant Investigation Process. Collection method: clinical testing. Allele origin: germline.

NM_032119.4(ADGRV1):c.15285T>C (p.Thr5095=)

Gene: ADGRV1 (adhesion G protein-coupled receptor V1; plus strand). Cytogenetic location: 5q14.3.
Variant type: single nucleotide variant.
Coding change: c.15285T>C on transcript NM_032119.4 (MANE Select); coding-DNA position 15285, T replaced by C.
Protein change: p.Thr5095=; no amino-acid change (threonine 5095 retained).
Molecular consequence: synonymous variant. On other transcripts: non-coding transcript variant (1).
Genome position (GRCh38, 1-based): chr5:90,810,545, T>C. VCF-style: chr5-90810545-T-C. GRCh37 (hg19) VCF-style: chr5-90106362-T-C.
Other names: c.15285T>C (NM_032119.3).
Identifiers: ClinVar variation 811330 (VCV000811330.18), dbSNP rs745990374, ClinGen allele CA3341887.